The following is an entry in ClinVar:

ClinVar aggregate classification (germline): Pathogenic (1 of 4 stars; one submission).

Conditions:
Cobalamin C disease. Also called: Cobalamin-C methylmalonic acidemia and homocystinuria; Methylmalonic acidemia and homocystinuria cblC type; Methylmalonic aciduria with homocystinuria cblC type; Methylmalonic aciduria and homocystinuria, Vitamin B12-responsive; Vitamin B12 metabolic defect with combined deficiency of methylmalonyl-CoA mutase and homocysteine:methyltetrahydrofolate methyltransferase; methylmalonic aciduria and homocystinuria type cblC. Identifiers: Orphanet 26, Orphanet 79282, MedGen C1848561, MONDO:0010184, OMIM 277400.

Submission:

Labcorp Genetics (formerly Invitae), Labcorp
Classification: Pathogenic for Cobalamin C disease. Last evaluated: 2022-12-02. Review status: criteria provided, single submitter. Criteria: Invitae Variant Classification Sherloc (09022015). Collection method: clinical testing. Allele origin: germline.
Comment: ClinVar contains an entry for this variant (Variation ID: 1454386). For these reasons, this variant has been classified as Pathogenic. This variant disrupts a region of the MMACHC protein in which other variant(s) (p.Trp203*) have been determined to be pathogenic (PMID: 16311595, 23954310, 25772322). This suggests that this is a clinically significant region of the protein, and that variants that disrupt it are likely to be disease-causing. This variant has not been reported in the literature in individuals affected with MMACHC-related conditions. This variant is not present in population databases (gnomAD no frequency). This sequence change creates a premature translational stop signal (p.Lys178Asnfs*32) in the MMACHC gene. While this is not anticipated to result in nonsense mediated decay, it is expected to disrupt the last 105 amino acid(s) of the MMACHC protein.

Literature cited by the submitters: PubMed 16311595; PubMed 23954310; PubMed 25772322.

NM_015506.3(MMACHC):c.534del (p.Lys178fs)

Gene: MMACHC (metabolism of cobalamin associated C; plus strand). Cytogenetic location: 1p34.1.
Variant type: Deletion.
Coding change: c.534del on transcript NM_015506.3 (MANE Select); coding-DNA position 534, one base deleted (A; older notation c.534delA).
Protein change: p.Lys178fs; shifts the reading frame from lysine 178.
Molecular consequence: frameshift variant.
Genome position (GRCh38, 1-based): chr1:45,508,900, A deleted; the last of 4 consecutive A bases (chr1:45,508,897-45,508,900); deleting any one gives the same sequence. VCF-style (leftmost placement, unchanged base first): chr1-45508896-GA-G. GRCh37 (hg19) VCF-style: chr1-45974568-GA-G.
Other names: c.363del, p.Lys121fs (NM_001330540.2); short protein forms K178fs, K121fs.
Identifiers: ClinVar variation 1454386 (VCV001454386.8), dbSNP rs2149323872, ClinGen allele CA2573132353.
Genomic context (GRCh38, chr1:45,508,896, plus strand): 5'-GGTTTGCCATCCGAGGGGTAGTGCTGCTGCCAGGGATAGAGGTGCCAGATCTGCCACCCA[GA>G]AAACCTCATGACTGTGTACCTACAAGAGCTGACCGTATCGCCCTACTCGAAGGCTTCAAT-3'